The following is an entry in ClinVar:

ClinVar aggregate classification (germline): Uncertain significance (1 of 4 stars; one submission).

gnomAD v4.1: 1 of 1,613,768 alleles (0.000062%); highest among the groups gnomAD compares: Non-Finnish European, 0.000085%; no homozygotes.

Submission:

Labcorp Genetics (formerly Invitae), Labcorp
Classification: Uncertain significance. Last evaluated: 2022-01-07. Review status: criteria provided, single submitter. Criteria: Invitae Variant Classification Sherloc (09022015). Collection method: clinical testing. Allele origin: germline.
Comment: In summary, the available evidence is currently insufficient to determine the role of this variant in disease. Therefore, it has been classified as a Variant of Uncertain Significance. This sequence change creates a premature translational stop signal (p.Ser981*) in the KCNH1 gene. While this is not anticipated to result in nonsense mediated decay, it is expected to disrupt the last 9 amino acid(s) of the KCNH1 protein. This variant is not present in population databases (gnomAD no frequency). This variant has not been reported in the literature in individuals affected with KCNH1-related conditions. Experimental studies and prediction algorithms are not available or were not evaluated, and the functional significance of this variant is currently unknown.

NM_172362.3(KCNH1):c.2942C>A (p.Ser981Ter)

Gene: KCNH1 (potassium voltage-gated channel subfamily H member 1; minus strand). Cytogenetic location: 1q32.2.
Variant type: single nucleotide variant.
Coding change: c.2942C>A on transcript NM_172362.3 (MANE Select); coding-DNA position 2942, C replaced by A.
Protein change: p.Ser981Ter; replaces serine 981 with a stop codon.
Molecular consequence: nonsense.
Genome position (GRCh38, 1-based): chr1:210,683,309, G>T on the plus strand (C>A on the coding strand, the complement: KCNH1 is on the minus strand). VCF-style: chr1-210683309-G-T. GRCh37 (hg19) VCF-style: chr1-210856651-G-T.
Other names: c.2861C>A, p.Ser954Ter (NM_002238.4); short protein forms S954*, S981*.
Identifiers: ClinVar variation 2077086 (VCV002077086.4), dbSNP rs145248227, ClinGen allele CA344870092.